The following is an entry in ClinVar:

NM_001291303.3(FAT4):c.13065A>G (p.Ala4355=)

Gene: FAT4 (FAT atypical cadherin 4; plus strand). Cytogenetic location: 4q28.1.
Variant type: single nucleotide variant.
Coding change: c.13065A>G on transcript NM_001291303.3 (MANE Select); coding-DNA position 13065, A replaced by G.
Protein change: p.Ala4355=; no amino-acid change (alanine 4355 retained).
Molecular consequence: synonymous variant.
Genome position (GRCh38, 1-based): chr4:125,487,587, A>G. VCF-style: chr4-125487587-A-G. GRCh37 (hg19) VCF-style: chr4-126408742-A-G.
Other names: c.13065A>G, p.Ala4355= (NM_001291285.3); c.13059A>G, p.Ala4353= (NM_024582.6).
Identifiers: ClinVar variation 2979457 (VCV002979457.17), dbSNP rs150038254, ClinGen allele CA104874514.

ClinVar aggregate classification (germline): Likely benign. Review status: criteria provided, multiple submitters, no conflicts (2 of 4 stars). 2 submissions from 2 submitters: Likely benign (2). Last evaluated 2025-06-17.

gnomAD v4.1: 5 of 1,609,400 alleles (0.00031%); highest among the groups gnomAD compares: Middle Eastern, 0.017%; no homozygotes.

Submissions (2):

Labcorp Genetics (formerly Invitae), Labcorp
Classification: Likely benign. Last evaluated: 2025-06-17. Review status: criteria provided, single submitter. Criteria: Invitae Variant Classification Sherloc (09022015). Collection method: clinical testing. Allele origin: germline.

CeGaT Center for Human Genetics Tuebingen
Classification: Likely benign. Last evaluated: 2024-11-01. Review status: criteria provided, single submitter. Criteria: CeGaT Center For Human Genetics Tuebingen Variant Classification Criteria Version 2. Collection method: clinical testing. Allele origin: germline. Affected: yes. Observed: 1 variant allele.
Comment: FAT4: BP4, BP7